The following is an entry in ClinVar:

ClinVar aggregate classification (germline): Conflicting classifications of pathogenicity. Review status: criteria provided, conflicting classifications (1 of 4 stars). 8 submissions from 8 submitters: Uncertain significance (1); Benign (1); Likely benign (6). Last evaluated 2026-01-13.

Conditions:
Hereditary nonpolyposis colorectal neoplasms. Identifiers: MedGen C0009405, MeSH D003123.
Hereditary cancer-predisposing syndrome. Also called: Hereditary Cancer Syndrome; Tumor predisposition; Neoplastic Syndromes, Hereditary; Hereditary neoplastic syndrome. Identifiers: Orphanet 140162, MedGen C0027672, MeSH D009386, MONDO:0015356.
Lynch syndrome. Identifiers: Orphanet 144, MedGen C4552100, MONDO:0005835. Disease mechanism: loss of function.
Lynch syndrome 4 (LYNCH4). Also called: Colorectal cancer, hereditary nonpolyposis, type 4; Hereditary non-polyposis colorectal cancer, type 4. Identifiers: Orphanet 144, MedGen C1838333, MONDO:0013699, OMIM 614337. Disease mechanism: loss of function.

Allele frequency attached by ClinVar (database versions not stated): gnomAD exomes below 0.00001 and 0.00001; ExAC 0.00001; gnomAD 0.00001.
gnomAD v4.1: 10 of 1,610,646 alleles (0.00062%); highest among the groups gnomAD compares: Non-Finnish European, 0.00076%; no homozygotes.

Submissions (8):

Labcorp Genetics (formerly Invitae), Labcorp
Classification: Likely benign for Hereditary nonpolyposis colorectal neoplasms. Last evaluated: 2026-01-13. Review status: criteria provided, single submitter. Criteria: Invitae Variant Classification Sherloc (09022015). Collection method: clinical testing. Allele origin: germline.

Myriad Genetics, Inc.
Classification: Benign for Lynch syndrome 4. Last evaluated: 2025-01-23. Review status: criteria provided, single submitter. Criteria: Myriad Autosomal Dominant, Autosomal Recessive and X-Linked Classification Criteria (2023). Collection method: clinical testing. Allele origin: unknown.
Comment: This variant is considered benign. This variant is a silent/synonymous amino acid change and it is not expected to impact splicing.

Institute for Biomarker Research, Medical Diagnostic Laboratories, L.L.C.
Classification: Likely benign for Hereditary cancer-predisposing syndrome. Last evaluated: 2024-11-29. Review status: criteria provided, single submitter. Criteria: ACMG Guidelines, 2015. Collection method: clinical testing. Allele origin: germline.
Comment: The synonymous variant NM_001322014.2(PMS2):c.33T>A (p.Pro11=) has been reported to ClinVar as Likely benign with a status of (2 stars) criteria provided, multiple submitters, no conflicts (Variation ID 702242 as of 2024-11-07). The p.Pro11= variant is observed in 1/109,762 (0.0009%) alleles from individuals of gnomAD Non Finnish European background in gnomAD. The p.Pro11= variant is not predicted to disrupt the existing acceptor splice site 10bp upstream by any splice site algorithm. The p.Pro11= variant results in a substitution of a base that is not predicted conserved by GERP++ and PhyloP. For these reasons, this variant has been classified as Likely Benign.

All of Us Research Program, National Institutes of Health
Classification: Likely benign for Lynch syndrome. Last evaluated: 2024-07-20. Review status: criteria provided, single submitter. Criteria: ACMG Guidelines, 2015. Collection method: clinical testing. Allele origin: germline. Inheritance: Autosomal dominant inheritance. Observed: 1 variant allele, 1 heterozygote.
Comment: This study involves interpretation of variants in research participants for the purpose of population health screening. Participant phenotype was not available at the time of variant classification. Additional details can be found in publication PMID: 35346344, PMCID: PMC8962531

Department of Pathology and Laboratory Medicine, Sinai Health System
Classification: Uncertain significance for Lynch syndrome. Last evaluated: 2024-03-25. Review status: criteria provided, single submitter. Criteria: ACMG Guidelines, 2015. Collection method: clinical testing. Allele origin: germline. Affected: yes.

Quest Diagnostics Nichols Institute San Juan Capistrano
Classification: Likely benign. Last evaluated: 2023-05-04. Review status: criteria provided, single submitter. Criteria: Quest Diagnostics criteria. Collection method: clinical testing. Allele origin: unknown.

Color Diagnostics, LLC DBA Color Health
Classification: Likely benign for Hereditary cancer-predisposing syndrome. Last evaluated: 2019-01-02. Review status: criteria provided, single submitter. Criteria: ACMG Guidelines, 2015. Collection method: clinical testing. Allele origin: germline.

Ambry Genetics
Classification: Likely benign for Hereditary cancer-predisposing syndrome. Last evaluated: 2017-09-30. Review status: criteria provided, single submitter. Criteria: Ambry Variant Classification Scheme 2023. Collection method: clinical testing. Allele origin: germline.

NM_000535.7(PMS2):c.33T>A (p.Pro11=)

Gene: PMS2 (PMS1 homolog 2, mismatch repair system component; minus strand). Cytogenetic location: 7p22.1.
Variant type: single nucleotide variant.
Coding change: c.33T>A on transcript NM_000535.7 (MANE Select); coding-DNA position 33, T replaced by A.
Protein change: p.Pro11=; no amino-acid change (proline 11 retained).
Molecular consequence: synonymous variant. On other transcripts: 5 prime UTR variant (8), non-coding transcript variant (1), intron variant (3).
Genome position (GRCh38, 1-based): chr7:6,006,022, A>T on the plus strand (T>A on the coding strand, the complement: PMS2 is on the minus strand). VCF-style: chr7-6006022-A-T. GRCh37 (hg19) VCF-style: chr7-6045653-A-T.
Other names: c.-373T>A (NM_001322003.2, NM_001322005.2, NM_001322009.2 and 1 more transcripts); c.33T>A, p.Pro11= (NM_001322006.2, NM_001322014.2); c.-183T>A (NM_001322007.2); c.-852T>A (NM_001322011.2, NM_001322012.2); c.-452T>A (NM_001322015.2); c.-52-1964T>A (NM_001322008.2); c.-242-1964T>A (NM_001322010.2, NM_001322004.2).
Identifiers: ClinVar variation 702242 (VCV000702242.22), dbSNP rs780178572, ClinGen allele CA049240.
Genomic context (GRCh38, chr7:6,006,022, plus strand): 5'-CACCTGCCCAGAGCAAATCTGATGGACTGACTTCCGATCAATAGGTTTGATGGCCTTAGC[A>T]GGTTCTGTACTAGAGAAATCAGTTACAAGAAACAAATCAAGTATTCAGCTATATATTTTC-3'
Protein context (NP_000526.2, residues 1-21): MERAESSSTE[Pro11=]AKAIKPIDRK